The following is an entry in ClinVar:

NM_000562.3(C8A):c.170A>C (p.Lys57Thr)

Gene: C8A (complement C8 alpha chain; plus strand). Cytogenetic location: 1p32.2.
Variant type: single nucleotide variant.
Coding change: c.170A>C on transcript NM_000562.3 (MANE Select); coding-DNA position 170, A replaced by C.
Protein change: p.Lys57Thr; replaces lysine 57 with threonine.
Molecular consequence: missense variant.
Genome position (GRCh38, 1-based): chr1:56,867,701, A>C. VCF-style: chr1-56867701-A-C. GRCh37 (hg19) VCF-style: chr1-57333374-A-C.
Other names: short protein forms K57T.
Identifiers: ClinVar variation 2103615 (VCV002103615.5), dbSNP rs2522491339, ClinGen allele CA340510983.

ClinVar aggregate classification (germline): Uncertain significance. Review status: criteria provided, multiple submitters, no conflicts (2 of 4 stars). 2 submissions from 2 submitters: Uncertain significance (2). Last evaluated 2024-01-17.

Conditions:
Type I complement component 8 deficiency. Also called: COMPLEMENT C8 DEFICIENCY, TYPE I; C8AG DEFICIENCY; C8 ALPHA-GAMMA DEFICIENCY. Identifiers: MedGen C3151081, MONDO:0013422, OMIM 613790.

gnomAD v4.1: 2 of 1,612,474 alleles (0.00012%); no homozygotes.

Submissions (2):

Fulgent Genetics
Classification: Uncertain significance for Type I complement component 8 deficiency. Last evaluated: 2024-01-17. Review status: criteria provided, single submitter. Criteria: ACMG Guidelines, 2015. Collection method: clinical testing. Allele origin: germline.

Labcorp Genetics (formerly Invitae), Labcorp
Classification: Uncertain significance. Last evaluated: 2022-09-19. Review status: criteria provided, single submitter. Criteria: Invitae Variant Classification Sherloc (09022015). Collection method: clinical testing. Allele origin: germline.
Comment: In summary, the available evidence is currently insufficient to determine the role of this variant in disease. Therefore, it has been classified as a Variant of Uncertain Significance. Algorithms developed to predict the effect of missense changes on protein structure and function (SIFT, PolyPhen-2, Align-GVGD) all suggest that this variant is likely to be tolerated. This variant has not been reported in the literature in individuals affected with C8A-related conditions. This variant is not present in population databases (gnomAD no frequency). This sequence change replaces lysine, which is basic and polar, with threonine, which is neutral and polar, at codon 57 of the C8A protein (p.Lys57Thr).